The following is an entry in ClinVar:

ClinVar aggregate classification (germline): Pathogenic. Review status: criteria provided, multiple submitters, no conflicts (2 of 4 stars). 3 submissions from 3 submitters: Pathogenic (3). Last evaluated 2025-07-01.

Conditions:
Hereditary cancer-predisposing syndrome. Also called: Hereditary neoplastic syndrome; Neoplastic Syndromes, Hereditary; Tumor predisposition; Hereditary Cancer Syndrome. Identifiers: Orphanet 140162, MedGen C0027672, MeSH D009386, MONDO:0015356.
Hereditary diffuse gastric adenocarcinoma (HDGC). Also called: DIFFUSE GASTRIC AND LOBULAR BREAST CANCER SYNDROME. Identifiers: Orphanet 26106, MedGen C1708349, MONDO:0007648, OMIM 137215.

Allele frequency attached by ClinVar (database versions not stated): gnomAD exomes below 0.00001.
gnomAD v4.1: 1 of 1,613,872 alleles (0.000062%); highest among the groups gnomAD compares: Non-Finnish European, 0.000085%; no homozygotes.

Submissions (3):

Ambry Genetics
Classification: Pathogenic for Hereditary cancer-predisposing syndrome. Last evaluated: 2025-07-01. Review status: criteria provided, single submitter. Criteria: Ambry Variant Classification Scheme 2023. Collection method: clinical testing. Allele origin: germline.
Comment: The p.S515* pathogenic mutation (also known as c.1544C>G), located in coding exon 10 of the CTNNA1 gene, results from a C to G substitution at nucleotide position 1544. This changes the amino acid from a serine to a stop codon within coding exon 10. This variant is considered to be rare based on population cohorts in the Genome Aggregation Database (gnomAD). This alteration is expected to result in loss of function by premature protein truncation or nonsense-mediated mRNA decay. As such, this alteration is interpreted as a disease-causing mutation.

Myriad Genetics, Inc.
Classification: Pathogenic for Hereditary diffuse gastric adenocarcinoma. Last evaluated: 2024-03-11. Review status: criteria provided, single submitter. Criteria: Myriad Autosomal Dominant, Autosomal Recessive and X-Linked Classification Criteria (2023). Collection method: clinical testing. Allele origin: unknown.
Comment: This variant is considered pathogenic. This variant creates a termination codon and is predicted to result in premature protein truncation.

Labcorp Genetics (formerly Invitae), Labcorp
Classification: Pathogenic. Last evaluated: 2023-06-13. Review status: criteria provided, single submitter. Criteria: Invitae Variant Classification Sherloc (09022015). Collection method: clinical testing. Allele origin: germline.
Comment: For these reasons, this variant has been classified as Pathogenic. ClinVar contains an entry for this variant (Variation ID: 1046228). This variant has not been reported in the literature in individuals affected with CTNNA1-related conditions. This variant is not present in population databases (gnomAD no frequency). This sequence change creates a premature translational stop signal (p.Ser515*) in the CTNNA1 gene. It is expected to result in an absent or disrupted protein product. Loss-of-function variants in CTNNA1 are known to be pathogenic (PMID: 32051609, 34425242).

Literature cited by the submitters: PubMed 32051609 (cited by Labcorp Genetics (formerly Invitae), Labcorp); PubMed 34425242 (cited by Labcorp Genetics (formerly Invitae), Labcorp).

NM_001903.5(CTNNA1):c.1544C>G (p.Ser515Ter)

Gene: CTNNA1 (catenin alpha 1; plus strand). Cytogenetic location: 5q31.2.
Variant type: single nucleotide variant.
Coding change: c.1544C>G on transcript NM_001903.5 (MANE Select); coding-DNA position 1544, C replaced by G.
Protein change: p.Ser515Ter; replaces serine 515 with a stop codon.
Molecular consequence: nonsense.
Genome position (GRCh38, 1-based): chr5:138,917,896, C>G. VCF-style: chr5-138917896-C-G. GRCh37 (hg19) VCF-style: chr5-138253585-C-G.
Other names: c.1544C>G (NM_001903.2); c.434C>G, p.Ser145Ter (NM_001324003.1, NM_001324004.1, NM_001324005.1 and 17 more transcripts); c.95C>G, p.Ser32Ter (NM_001324006.1, NM_001324007.1, NM_001324008.1 and 2 more transcripts); c.341C>G, p.Ser114Ter (NM_001324011.1); c.191C>G, p.Ser64Ter (NM_001324012.1, NM_001324013.1); c.1544C>G, p.Ser515Ter (NM_001290307.3, NM_001323982.2, NM_001323983.1 and 2 more transcripts); c.1235C>G, p.Ser412Ter (NM_001290309.3); c.1175C>G, p.Ser392Ter (NM_001290310.3); and 1 more; short protein forms S114*, S412*, S145*, S484*, S515*, S32*, S392*, S64*.
Identifiers: ClinVar variation 1046228 (VCV001046228.9), dbSNP rs1762138459, ClinGen allele CA361137427.